The following is an entry in ClinVar:

ClinVar aggregate classification (germline): Pathogenic (1 of 4 stars; one submission).

Conditions:
Autosomal recessive nonsyndromic hearing loss 23. Identifiers: Orphanet 90636, MedGen C1836027, MONDO:0012293, OMIM 609533.

Submission:

Institute of Rare Diseases, West China Hospital, Sichuan University
Classification: Pathogenic for Autosomal recessive nonsyndromic hearing loss 23. Last evaluated: 2025-01-09. Review status: criteria provided, single submitter. Criteria: ClinGen HL ACMG Specifications v1. Collection method: research. Allele origin: germline. Affected: yes.
Comment: PVS1;PM3;PM2_Supporting

NM_001384140.1(PCDH15):c.1182T>G (p.Tyr394Ter)

Gene: PCDH15 (protocadherin related 15; minus strand). Cytogenetic location: 10q21.1.
Variant type: single nucleotide variant.
Coding change: c.1182T>G on transcript NM_001384140.1 (MANE Select); coding-DNA position 1182, T replaced by G.
Protein change: p.Tyr394Ter; replaces tyrosine 394 with a stop codon.
Molecular consequence: nonsense.
Genome position (GRCh38, 1-based): chr10:54,195,806, A>C on the plus strand (T>G on the coding strand, the complement: PCDH15 is on the minus strand). VCF-style: chr10-54195806-A-C. GRCh37 (hg19) VCF-style: chr10-55955566-A-C.
Other names: c.1197T>G, p.Tyr399Ter (NM_001142763.2, NM_001142769.4, NM_001142771.2); c.1182T>G, p.Tyr394Ter (NM_001142764.2, NM_001142765.2, NM_001142766.2 and 7 more transcripts); c.1071T>G, p.Tyr357Ter (NM_001142767.2); c.1116T>G, p.Tyr372Ter (NM_001142768.2, NM_001142773.2, NM_001354404.2); short protein forms Y357*, Y372*, Y394*, Y399*.
Identifiers: ClinVar variation 3601602 (VCV003601602.1).